The following is an entry in ClinVar:

NM_002485.5(NBN):c.1701C>G (p.Phe567Leu)

Gene: NBN (nibrin; minus strand). Cytogenetic location: 8q21.3.
Variant type: single nucleotide variant.
Coding change: c.1701C>G on transcript NM_002485.5 (MANE Select); coding-DNA position 1701, C replaced by G.
Protein change: p.Phe567Leu; replaces phenylalanine 567 with leucine.
Molecular consequence: missense variant.
Genome position (GRCh38, 1-based): chr8:89,953,388, G>C on the plus strand (C>G on the coding strand, the complement: NBN is on the minus strand). VCF-style: chr8-89953388-G-C. GRCh37 (hg19) VCF-style: chr8-90965616-G-C.
Other names: p.F567L:TTC>TTG; c.1455C>G, p.Phe485Leu (NM_001024688.3); short protein forms F567L, F485L.
Identifiers: ClinVar variation 182724 (VCV000182724.13), dbSNP rs730881853, ClinGen allele CA299621.

ClinVar aggregate classification (germline): Conflicting classifications of pathogenicity. Review status: criteria provided, conflicting classifications (1 of 4 stars). 4 submissions from 4 submitters: Uncertain significance (3); Likely benign (1). Last evaluated 2022-12-08.

Conditions:
Hereditary cancer-predisposing syndrome. Also called: Tumor predisposition; Hereditary Cancer Syndrome; Hereditary neoplastic syndrome; Neoplastic Syndromes, Hereditary. Identifiers: Orphanet 140162, MedGen C0027672, MeSH D009386, MONDO:0015356.
Microcephaly, normal intelligence and immunodeficiency (NBS). Also called: IMMUNODEFICIENCY, MICROCEPHALY, AND CHROMOSOMAL INSTABILITY; SEEMANOVA SYNDROME II; Nijmegen breakage syndrome; Microcephaly with normal intelligence immunodeficiency and lymphoreticular malignancies; Nonsyndromal microcephaly autosomal recessive with normal intelligence; Seemanova syndrome 2. Identifiers: Orphanet 647, MedGen C0398791, MONDO:0009623, OMIM 251260.

Submissions (4):

Labcorp Genetics (formerly Invitae), Labcorp
Classification: Uncertain significance for Microcephaly, normal intelligence and immunodeficiency. Last evaluated: 2022-12-08. Review status: criteria provided, single submitter. Criteria: Invitae Variant Classification Sherloc (09022015). Collection method: clinical testing. Allele origin: germline.
Comment: In summary, the available evidence is currently insufficient to determine the role of this variant in disease. Therefore, it has been classified as a Variant of Uncertain Significance. Algorithms developed to predict the effect of missense changes on protein structure and function output the following: SIFT: "Tolerated"; PolyPhen-2: "Benign"; Align-GVGD: "Class C0". The leucine amino acid residue is found in multiple mammalian species, which suggests that this missense change does not adversely affect protein function. ClinVar contains an entry for this variant (Variation ID: 182724). This variant has not been reported in the literature in individuals affected with NBN-related conditions. This variant is not present in population databases (gnomAD no frequency). This sequence change replaces phenylalanine, which is neutral and non-polar, with leucine, which is neutral and non-polar, at codon 567 of the NBN protein (p.Phe567Leu).

Genome-Nilou Lab
Classification: Uncertain significance for Microcephaly, normal intelligence and immunodeficiency. Last evaluated: 2021-11-07. Review status: criteria provided, single submitter. Criteria: ACMG Guidelines, 2015. Collection method: clinical testing. Allele origin: germline. Affected: no.

Ambry Genetics
Classification: Likely benign for Hereditary cancer-predisposing syndrome. Last evaluated: 2021-10-14. Review status: criteria provided, single submitter. Criteria: Ambry Variant Classification Scheme 2023. Collection method: clinical testing. Allele origin: germline.

GeneDx
Classification: Uncertain significance. Last evaluated: 2014-08-11. Review status: criteria provided, single submitter. Criteria: GeneDx Variant Classification (06012015). Collection method: clinical testing. Allele origin: germline. Affected: yes.
Comment: This variant is denoted NBN c.1701C>G at the cDNA level, p.Phe567Leu (F567L) at the protein level, and results in the change of a Phenylalanine to a Leucine (TTC>TTG). This variant has not, to our knowledge, been published in the literature as pathogenic or benign. NBN Phe567Leu was not observed in approximately 6,500 individuals of European and African American ancestry in the NHLBI Exome Sequencing Project, indicating it is not a common benign variant in these populations. Since Phenylalanine and Leucine share similar properties, this is considered a conservative amino acid substitution. NBN Phe567Leu occurs at a position that is highly variable across species and tolerates Leucine in several species. This variant is not located in a known functional domain. In silico analyses predict that this variant is unlikely to alter protein structure or function. Based on currently available information, it is unclear whether NBN Phe567Leu is pathogenic or benign. We consider it to be a variant of uncertain significance.